The following is an entry in ClinVar:

NM_199352.6(SLC22A25):c.541C>T (p.Leu181Phe)

Gene: SLC22A25 (solute carrier family 22 member 25; minus strand). Cytogenetic location: 11q12.3.
Variant type: single nucleotide variant.
Coding change: c.541C>T on transcript NM_199352.6 (MANE Select); coding-DNA position 541, C replaced by T.
Protein change: p.Leu181Phe; replaces leucine 181 with phenylalanine.
Molecular consequence: missense variant.
Genome position (GRCh38, 1-based): chr11:63,217,701, G>A on the plus strand (C>T on the coding strand, the complement: SLC22A25 is on the minus strand). VCF-style: chr11-63217701-G-A. GRCh37 (hg19) VCF-style: chr11-62985173-G-A.
Other names: c.541C>T, p.Leu181Phe (NM_001394058.1, NM_001394059.1); short protein forms L181F.
Identifiers: ClinVar variation 3047494 (VCV003047494.2), dbSNP rs563995072, ClinGen allele CA6060777.

ClinVar aggregate classification (germline): Likely benign (0 of 4 stars; one submission).

Conditions:
SLC22A25-related disorder. Also called: SLC22A25-related condition.

Allele frequency attached by ClinVar (database versions not stated): TOPMed 0.00001; gnomAD 0.00011; gnomAD exomes 0.00032; 1000 Genomes Project 30x 0.00047; ExAC 0.00049; 1000 Genomes Project 0.00060.
gnomAD v4.1: 485 of 1,613,490 alleles (0.03%); highest among the groups gnomAD compares: South Asian, 0.51%; 4 homozygotes.

Submission:

PreventionGenetics, part of Exact Sciences
Classification: Likely benign for SLC22A25-related condition. Last evaluated: 2022-05-10. Review status: no assertion criteria provided. Collection method: clinical testing. Allele origin: germline.
Comment: This variant is classified as likely benign based on ACMG/AMP sequence variant interpretation guidelines (Richards et al. 2015 PMID: 25741868, with internal and published modifications).